The following is an entry in ClinVar:

NM_004260.4(RECQL4):c.2192G>C (p.Gly731Ala)

Gene: RECQL4 (RecQ like helicase 4; minus strand). Cytogenetic location: 8q24.3.
Variant type: single nucleotide variant.
Coding change: c.2192G>C on transcript NM_004260.4 (MANE Select); coding-DNA position 2192, G replaced by C.
Protein change: p.Gly731Ala; replaces glycine 731 with alanine.
Molecular consequence: missense variant.
Genome position (GRCh38, 1-based): chr8:144,513,579, C>G on the plus strand (G>C on the coding strand, the complement: RECQL4 is on the minus strand). VCF-style: chr8-144513579-C-G. GRCh37 (hg19) VCF-style: chr8-145738963-C-G.
Other names: c.2192G>C (NM_004260.3); short protein forms G731A.
Identifiers: ClinVar variation 1518147 (VCV001518147.7), dbSNP rs762080821, ClinGen allele CA372679579.

ClinVar aggregate classification (germline): Uncertain significance. Review status: criteria provided, multiple submitters, no conflicts (2 of 4 stars). 2 submissions from 2 submitters: Uncertain significance (2). Last evaluated 2025-01-24.

Conditions:
Baller-Gerold syndrome (BGS). Also called: CRANIOSYNOSTOSIS WITH RADIAL DEFECTS. Identifiers: Orphanet 1225, MedGen C0265308, MONDO:0009039, OMIM 218600.
Inborn genetic diseases. Identifiers: MedGen C0950123, MeSH D030342.

gnomAD v4.1: 5 of 1,610,546 alleles (0.00031%); highest among the groups gnomAD compares: Non-Finnish European, 0.00042%; no homozygotes.

Submissions (2):

Ambry Genetics
Classification: Uncertain significance for Inborn genetic diseases. Last evaluated: 2025-01-24. Review status: criteria provided, single submitter. Criteria: Ambry Variant Classification Scheme 2023. Collection method: clinical testing. Allele origin: germline.
Comment: The p.G731A variant (also known as c.2192G>C), located in coding exon 13 of the RECQL4 gene, results from a G to C substitution at nucleotide position 2192. The glycine at codon 731 is replaced by alanine, an amino acid with similar properties. This amino acid position is conserved. In addition, this alteration is predicted to be tolerated by in silico analysis. Based on the available evidence, the clinical significance of this variant remains unclear.

Labcorp Genetics (formerly Invitae), Labcorp
Classification: Uncertain significance for Baller-Gerold syndrome. Last evaluated: 2022-05-27. Review status: criteria provided, single submitter. Criteria: Invitae Variant Classification Sherloc (09022015). Collection method: clinical testing. Allele origin: germline.
Comment: This variant has not been reported in the literature in individuals affected with RECQL4-related conditions. In summary, the available evidence is currently insufficient to determine the role of this variant in disease. Therefore, it has been classified as a Variant of Uncertain Significance. Experimental studies and prediction algorithms are not available or were not evaluated, and the functional significance of this variant is currently unknown. ClinVar contains an entry for this variant (Variation ID: 1518147). This variant is not present in population databases (gnomAD no frequency). This sequence change replaces glycine, which is neutral and non-polar, with alanine, which is neutral and non-polar, at codon 731 of the RECQL4 protein (p.Gly731Ala).